The following is an entry in ClinVar:

NM_001312673.2(PCYT1A):c.708+3G>A

Gene: PCYT1A (phosphate cytidylyltransferase 1A, choline; minus strand). Cytogenetic location: 3q29.
Variant type: single nucleotide variant.
Coding change: c.708+3G>A on transcript NM_001312673.2 (MANE Select); 3 bases into the intron after coding-DNA position 708, G replaced by A.
Molecular consequence: intron variant.
Genome position (GRCh38, 1-based): chr3:196,241,945, C>T on the plus strand (G>A on the coding strand, the complement: PCYT1A is on the minus strand). VCF-style: chr3-196241945-C-T. GRCh37 (hg19) VCF-style: chr3-195968816-C-T.
Other names: c.708+3G>A (NM_005017.4).
Identifiers: ClinVar variation 1055581 (VCV001055581.5), dbSNP rs762583167, ClinGen allele CA2779468.
Genomic context (GRCh38, chr3:196,241,945, plus strand): 5'-TGGAGTGGGAGGTGATATGTCTCCTACAGAGTCAGGGAACTCTGGGGTAAGGCTGGAACT[C>T]ACGTTGATAAAGCTGACATTGAGCTCCTTTGCTGTGTAGCCCCTCTGCAGGTTCCGCCTC-3'

ClinVar aggregate classification (germline): Uncertain significance (1 of 4 stars; one submission).

Allele frequency attached by ClinVar (database versions not stated): ExAC 0.00001; gnomAD exomes 0.00001; gnomAD 0.00002.

Submission:

Labcorp Genetics (formerly Invitae), Labcorp
Classification: Uncertain significance. Last evaluated: 2022-11-22. Review status: criteria provided, single submitter. Criteria: Invitae Variant Classification Sherloc (09022015). Collection method: clinical testing. Allele origin: germline.
Comment: This sequence change falls in intron 8 of the PCYT1A gene. It does not directly change the encoded amino acid sequence of the PCYT1A protein. It affects a nucleotide within the consensus splice site. This variant is present in population databases (rs762583167, gnomAD 0.006%). This variant has not been reported in the literature in individuals affected with PCYT1A-related conditions. ClinVar contains an entry for this variant (Variation ID: 1055581). Variants that disrupt the consensus splice site are a relatively common cause of aberrant splicing (PMID: 17576681, 9536098). Algorithms developed to predict the effect of sequence changes on RNA splicing suggest that this variant is not likely to affect RNA splicing. In summary, the available evidence is currently insufficient to determine the role of this variant in disease. Therefore, it has been classified as a Variant of Uncertain Significance.

Literature cited by the submitters: PubMed 17576681; PubMed 9536098.